The following is an entry in ClinVar:

NM_052947.4(ALPK2):c.578T>C (p.Val193Ala)

Gene: ALPK2 (alpha kinase 2; minus strand). Cytogenetic location: 18q21.31.
Variant type: single nucleotide variant.
Coding change: c.578T>C on transcript NM_052947.4 (MANE Select); coding-DNA position 578, T replaced by C.
Protein change: p.Val193Ala; replaces valine 193 with alanine.
Molecular consequence: missense variant.
Genome position (GRCh38, 1-based): chr18:58,580,198, A>G on the plus strand (T>C on the coding strand, the complement: ALPK2 is on the minus strand). VCF-style: chr18-58580198-A-G. GRCh37 (hg19) VCF-style: chr18-56247430-A-G.
Other names: short protein forms V193A.
Identifiers: ClinVar variation 1749652 (VCV001749652.2), dbSNP rs2518900073, ClinGen allele CA402567676.
Genomic context (GRCh38, chr18:58,580,198, plus strand): 5'-TTTGCAATTTCTTCTGTGTTACTTGGATCATAAGCCTCTCCAGTGTGCCTTGTTCCTTTA[A>G]CACCCAAAGGATTTTCAGAACTGGACACACTAATGTCAAGATTGCCCAATGACTGGAGGG-3'
Protein context (NP_443179.3, residues 183-203): SVSSSENPLG[Val193Ala]KGTRHTGEAY

ClinVar aggregate classification (germline): Uncertain significance (1 of 4 stars; one submission).

Submission:

Ambry Genetics
Classification: Uncertain significance. Last evaluated: 2022-02-16. Review status: criteria provided, single submitter. Criteria: Ambry Variant Classification Scheme 2023. Collection method: clinical testing. Allele origin: germline.
Comment: The p.V193A variant (also known as c.578T>C), located in coding exon 3 of the ALPK2 gene, results from a T to C substitution at nucleotide position 578. The valine at codon 193 is replaced by alanine, an amino acid with similar properties. This amino acid position is conserved. In addition, this alteration is predicted to be tolerated by in silico analysis. Since supporting evidence is limited at this time, the clinical significance of this alteration remains unclear.